The following is an entry in ClinVar:

ClinVar aggregate classification (germline): Uncertain significance (1 of 4 stars; one submission).

gnomAD v4.1: 4 of 1,613,840 alleles (0.00025%); highest among the groups gnomAD compares: Non-Finnish European, 0.00034%; no homozygotes.

Submission:

Labcorp Genetics (formerly Invitae), Labcorp
Classification: Uncertain significance. Last evaluated: 2025-05-08. Review status: criteria provided, single submitter. Criteria: Invitae Variant Classification Sherloc (09022015). Collection method: clinical testing. Allele origin: germline.
Comment: This sequence change replaces serine, which is neutral and polar, with threonine, which is neutral and polar, at codon 269 of the TRAPPC9 protein (p.Ser269Thr). This variant is present in population databases (rs753309473, gnomAD 0.0009%). This variant has not been reported in the literature in individuals affected with TRAPPC9-related conditions. ClinVar contains an entry for this variant (Variation ID: 3694591). An algorithm developed to predict the effect of missense changes on protein structure and function (PolyPhen-2) suggests that this variant is likely to be disruptive. In summary, the available evidence is currently insufficient to determine the role of this variant in disease. Therefore, it has been classified as a Variant of Uncertain Significance.

NM_001160372.4(TRAPPC9):c.511T>A (p.Ser171Thr)

Gene: TRAPPC9 (trafficking protein particle complex subunit 9; minus strand). Cytogenetic location: 8q24.3.
Variant type: single nucleotide variant.
Coding change: c.511T>A on transcript NM_001160372.4 (MANE Select); coding-DNA position 511, T replaced by A.
Protein change: p.Ser171Thr; replaces serine 171 with threonine.
Molecular consequence: missense variant. On other transcripts: non-coding transcript variant (1).
Genome position (GRCh38, 1-based): chr8:140,450,863, A>T on the plus strand (T>A on the coding strand, the complement: TRAPPC9 is on the minus strand). VCF-style: chr8-140450863-A-T. GRCh37 (hg19) VCF-style: chr8-141460962-A-T.
Other names: c.511T>A, p.Ser171Thr (NM_001321646.2, NM_001374682.1, NM_001374683.1 and 2 more transcripts); short protein forms S171T.
Identifiers: ClinVar variation 3694591 (VCV003694591.2).